The following is an entry in ClinVar:

NM_006389.5(HYOU1):c.2327G>A (p.Ser776Asn)

Gene: HYOU1 (hypoxia up-regulated 1; minus strand). Cytogenetic location: 11q23.3.
Variant type: single nucleotide variant.
Coding change: c.2327G>A on transcript NM_006389.5 (MANE Select); coding-DNA position 2327, G replaced by A.
Protein change: p.Ser776Asn; replaces serine 776 with asparagine.
Molecular consequence: missense variant.
Genome position (GRCh38, 1-based): chr11:119,048,297, C>T on the plus strand (G>A on the coding strand, the complement: HYOU1 is on the minus strand). VCF-style: chr11-119048297-C-T. GRCh37 (hg19) VCF-style: chr11-118919009-C-T.
Other names: c.2327G>A, p.Ser776Asn (NM_001130991.3, NM_001411041.1); short protein forms S776N.
Identifiers: ClinVar variation 2877962 (VCV002877962.3), dbSNP rs1344668972, ClinGen allele CA382924978.

ClinVar aggregate classification (germline): Uncertain significance (1 of 4 stars; one submission).

Allele frequency attached by ClinVar (database versions not stated): gnomAD exomes below 0.00001.
gnomAD v4.1: 4 of 1,611,434 alleles (0.00025%); highest among the groups gnomAD compares: East Asian, 0.0022%; no homozygotes.

Submission:

Labcorp Genetics (formerly Invitae), Labcorp
Classification: Uncertain significance. Last evaluated: 2023-06-25. Review status: criteria provided, single submitter. Criteria: Invitae Variant Classification Sherloc (09022015). Collection method: clinical testing. Allele origin: germline.
Comment: In summary, the available evidence is currently insufficient to determine the role of this variant in disease. Therefore, it has been classified as a Variant of Uncertain Significance. An algorithm developed to predict the effect of missense changes on protein structure and function (PolyPhen-2) suggests that this variant is likely to be tolerated. This variant has not been reported in the literature in individuals affected with HYOU1-related conditions. This variant is present in population databases (no rsID available, gnomAD 0.006%). This sequence change replaces serine, which is neutral and polar, with asparagine, which is neutral and polar, at codon 776 of the HYOU1 protein (p.Ser776Asn).